The following is an entry in ClinVar:

ClinVar aggregate classification (germline): Uncertain significance (1 of 4 stars; one submission).

Conditions:
MOGS-congenital disorder of glycosylation. Also called: CDG IIb; GLUCOSIDASE I DEFICIENCY; MOGS-CDG; CDG 2B. Identifiers: Orphanet 79330, MedGen C1853736, MONDO:0011629, OMIM 606056.

Allele frequency attached by ClinVar (database versions not stated): gnomAD exomes below 0.00001; ExAC 0.00002; gnomAD 0.00003; TOPMed 0.00008.
gnomAD v4.1: 9 of 1,614,078 alleles (0.00056%); highest among the groups gnomAD compares: African/African-American, 0.012%; no homozygotes.

Submission:

Labcorp Genetics (formerly Invitae), Labcorp
Classification: Uncertain significance for MOGS-congenital disorder of glycosylation. Last evaluated: 2022-03-18. Review status: criteria provided, single submitter. Criteria: Invitae Variant Classification Sherloc (09022015). Collection method: clinical testing. Allele origin: germline.
Comment: This sequence change replaces glycine, which is neutral and non-polar, with valine, which is neutral and non-polar, at codon 774 of the MOGS protein (p.Gly774Val). This variant is present in population databases (rs750671581, gnomAD 0.03%). This variant has not been reported in the literature in individuals affected with MOGS-related conditions. Algorithms developed to predict the effect of missense changes on protein structure and function (SIFT, PolyPhen-2, Align-GVGD) all suggest that this variant is likely to be disruptive. In summary, the available evidence is currently insufficient to determine the role of this variant in disease. Therefore, it has been classified as a Variant of Uncertain Significance.

NM_006302.3(MOGS):c.2321G>T (p.Gly774Val)

Gene: MOGS (mannosyl-oligosaccharide glucosidase; minus strand). Cytogenetic location: 2p13.1.
Variant type: single nucleotide variant.
Coding change: c.2321G>T on transcript NM_006302.3 (MANE Select); coding-DNA position 2321, G replaced by T.
Protein change: p.Gly774Val; replaces glycine 774 with valine.
Molecular consequence: missense variant.
Genome position (GRCh38, 1-based): chr2:74,461,468, C>A on the plus strand (G>T on the coding strand, the complement: MOGS is on the minus strand). VCF-style: chr2-74461468-C-A. GRCh37 (hg19) VCF-style: chr2-74688595-C-A.
Other names: c.2003G>T, p.Gly668Val (NM_001146158.2); short protein forms G774V, G668V.
Identifiers: ClinVar variation 2148586 (VCV002148586.1), dbSNP rs750671581, ClinGen allele CA1724612.